The following is an entry in ClinVar:

ClinVar aggregate classification (germline): Conflicting classifications of pathogenicity. Review status: criteria provided, conflicting classifications (1 of 4 stars). 4 submissions from 4 submitters: Uncertain significance (1); Likely benign (2). 1 of the submissions does not count toward it. Last evaluated 2025-05-28.

Conditions:
TSC1-related disorder. Also called: TSC1-related condition.
Tuberous sclerosis 1 (TSC1). Identifiers: Orphanet 805, MedGen C1854465, MONDO:0008612, OMIM 191100.
Lymphangiomyomatosis (LAM). Also called: Lymphangioleiomyomatosis, somatic; Lymphangioleiomyomatosis. Identifiers: Orphanet 538, MedGen C0751674, MONDO:0011705, OMIM 606690.
Isolated focal cortical dysplasia type II (FCORD2). Also called: CORTICAL DYSPLASIA OF TAYLOR; Focal cortical dysplasia type II. Identifiers: Orphanet 268994, MedGen C1846385, MONDO:0011818, OMIM 607341, HP:0032051.

Submissions (4):

Quest Diagnostics Nichols Institute San Juan Capistrano
Classification: Uncertain significance. Last evaluated: 2025-05-28. Review status: criteria provided, single submitter. Criteria: Quest Diagnostics criteria. Collection method: clinical testing. Allele origin: unknown.

Fulgent Genetics
Classification: Likely benign for Tuberous sclerosis 1; Lymphangiomyomatosis; Isolated focal cortical dysplasia type II. Last evaluated: 2024-04-30. Review status: criteria provided, single submitter. Criteria: ACMG Guidelines, 2015. Collection method: clinical testing. Allele origin: germline.

Department of Pathology and Laboratory Medicine, Sinai Health System
Classification: Likely benign for Tuberous sclerosis 1. Last evaluated: 2024-01-03. Review status: criteria provided, single submitter. Criteria: ACMG Guidelines, 2015. Collection method: clinical testing. Allele origin: germline. Affected: yes.

PreventionGenetics, part of Exact Sciences
Classification: Likely benign for TSC1-related condition. Last evaluated: 2021-06-25. Review status: no assertion criteria provided. Collection method: clinical testing. Allele origin: germline. Not counted in ClinVar's aggregate classification.
Comment: This variant is classified as likely benign based on ACMG/AMP sequence variant interpretation guidelines (Richards et al. 2015 PMID: 25741868, with internal and published modifications).

NM_000368.5(TSC1):c.2626-9_2626-4del

Gene: TSC1 (TSC complex subunit 1; minus strand). Cytogenetic location: 9q34.13.
Variant type: Deletion.
Coding change: c.2626-9_2626-4del on transcript NM_000368.5 (MANE Select); 9 bases into the intron before coding-DNA position 2626 through 4 bases into the intron before coding-DNA position 2626, 6 bases deleted (TTTTTT; older notation c.2626-9_2626-4delTTTTTT).
Molecular consequence: intron variant.
Genome position (GRCh38, 1-based): chr9:132,897,614-132,897,619, AAAAAA deleted on the plus strand (TTTTTT on the coding strand, the reverse complement: TSC1 is on the minus strand); deleting any 6 consecutive bases within chr9:132,897,614-132,897,631 gives the same sequence; the c. name uses the placement nearest the transcript's 3' end. VCF-style (leftmost placement, unchanged base first): chr9-132897613-GAAAAAA-G. GRCh37 (hg19) VCF-style: chr9-135773000-GAAAAAA-G.
Other names: c.2260-9_2260-4del (NM_001406620.1, NM_001406621.1, NM_001406622.1 and 1 more transcripts); c.2263-9_2263-4del (NM_001406618.1, NM_001406617.1, NM_001406619.1 and 4 more transcripts); c.2218-9_2218-4del (NM_001406625.1); c.2428-9_2428-4del (NM_001406613.1); c.2470-9_2470-4del (NM_001406612.1, NM_001406611.1); c.2473-9_2473-4del (NM_001406610.1, NM_001162427.2); c.1672-9_1672-4del (NM_001406627.1, NM_001406628.1); c.1573-9_1573-4del (NM_001406629.1, NM_001406630.1); and 8 more.
Identifiers: ClinVar variation 3051573 (VCV003051573.5), dbSNP rs5901000, ClinGen allele CA860666173.